The following is an entry in ClinVar:

NM_004612.4(TGFBR1):c.1337G>T (p.Cys446Phe)

Gene: TGFBR1 (transforming growth factor beta receptor 1; plus strand). Cytogenetic location: 9q22.33.
Variant type: single nucleotide variant.
Coding change: c.1337G>T on transcript NM_004612.4 (MANE Select); coding-DNA position 1337, G replaced by T.
Protein change: p.Cys446Phe; replaces cysteine 446 with phenylalanine.
Molecular consequence: missense variant. On other transcripts: non-coding transcript variant (4).
Genome position (GRCh38, 1-based): chr9:99,147,735, G>T. VCF-style: chr9-99147735-G-T. GRCh37 (hg19) VCF-style: chr9-101910017-G-T.
Other names: c.1106G>T, p.Cys369Phe (NM_001130916.3, NM_001407435.1); c.1349G>T, p.Cys450Phe (NM_001306210.2); c.1181G>T, p.Cys394Phe (NM_001407416.1); c.1169G>T, p.Cys390Phe (NM_001407417.1); c.1142G>T, p.Cys381Phe (NM_001407418.1, NM_001407419.1, NM_001407420.1 and 1 more transcripts); c.1130G>T, p.Cys377Phe (NM_001407423.1, NM_001407424.1, NM_001407425.1 and 8 more transcripts); c.1091G>T, p.Cys364Phe (NM_001407436.1); c.629G>T, p.Cys210Phe (NM_001407437.1); and 1 more; short protein forms C210F, C381F, C377F, C390F, C450F, C369F, C287F, C364F.
Identifiers: ClinVar variation 3646408 (VCV003646408.2).

ClinVar aggregate classification (germline): Uncertain significance (1 of 4 stars; one submission).

Conditions:
Familial thoracic aortic aneurysm and aortic dissection (TAAD). Also called: Thoracic aortic aneurysms and dissections. Identifiers: Orphanet 91387, MedGen C4707243, MONDO:0019625.

Submission:

Labcorp Genetics (formerly Invitae), Labcorp
Classification: Uncertain significance for Familial thoracic aortic aneurysm and aortic dissection. Last evaluated: 2024-03-16. Review status: criteria provided, single submitter. Criteria: Invitae Variant Classification Sherloc (09022015). Collection method: clinical testing. Allele origin: germline.
Comment: This sequence change replaces cysteine, which is neutral and slightly polar, with phenylalanine, which is neutral and non-polar, at codon 446 of the TGFBR1 protein (p.Cys446Phe). This variant is not present in population databases (gnomAD no frequency). This variant has not been reported in the literature in individuals affected with TGFBR1-related conditions. Advanced modeling of protein sequence and biophysical properties (such as structural, functional, and spatial information, amino acid conservation, physicochemical variation, residue mobility, and thermodynamic stability) performed at Invitae indicates that this missense variant is expected to disrupt TGFBR1 protein function with a positive predictive value of 80%. In summary, the available evidence is currently insufficient to determine the role of this variant in disease. Therefore, it has been classified as a Variant of Uncertain Significance.